The following is an entry in ClinVar:

ClinVar aggregate classification (germline): Uncertain significance. Review status: criteria provided, multiple submitters, no conflicts (2 of 4 stars). 2 submissions from 2 submitters: Uncertain significance (2). Last evaluated 2022-06-17.

Conditions:
Inborn genetic diseases. Identifiers: MedGen C0950123, MeSH D030342.
Muscular dystrophy-dystroglycanopathy (congenital with brain and eye anomalies), type A2. Also called: MUSCULAR DYSTROPHY-DYSTROGLYCANOPATHY (CONGENITAL WITH BRAIN AND EYE ANOMALIES), TYPE A, 2; WALKER-WARBURG SYNDROME OR MUSCLE-EYE-BRAIN DISEASE, POMT2-RELATED. Identifiers: Orphanet 588, Orphanet 899, MedGen C3150411, MONDO:0013154, OMIM 613150.
Autosomal recessive limb-girdle muscular dystrophy type 2N. Also called: MUSCULAR DYSTROPHY-DYSTROGLYCANOPATHY, LIMB-GIRDLE, POMT2-RELATED; Muscular dystrophy-dystroglycanopathy (limb-girdle), type C, 2. Identifiers: Orphanet 206559, MedGen C3150418, MONDO:0013162, OMIM 613158.
Muscular dystrophy-dystroglycanopathy (congenital with impaired intellectual development), type B, 2. Also called: MUSCULAR DYSTROPHY, CONGENITAL, POMT2-RELATED; Muscular dystrophy-dystroglycanopathy (congenital with intellectual disability), type B2. Identifiers: MedGen C3150416, MONDO:0013160, OMIM 613156.

Allele frequency attached by ClinVar (database versions not stated): gnomAD exomes below 0.00001.
gnomAD v4.1: 1 of 1,613,868 alleles (0.000062%); highest among the groups gnomAD compares: Non-Finnish European, 0.000085%; no homozygotes.

Submissions (2):

Ambry Genetics
Classification: Uncertain significance for Inborn genetic diseases. Last evaluated: 2022-06-17. Review status: criteria provided, single submitter. Criteria: Ambry Variant Classification Scheme 2023. Collection method: clinical testing. Allele origin: germline.

Labcorp Genetics (formerly Invitae), Labcorp
Classification: Uncertain significance for Muscular dystrophy-dystroglycanopathy (congenital with impaired intellectual development), type B, 2; Muscular dystrophy-dystroglycanopathy (congenital with brain and eye anomalies), type A2; Autosomal recessive limb-girdle muscular dystrophy type 2N. Last evaluated: 2022-04-30. Review status: criteria provided, single submitter. Criteria: Invitae Variant Classification Sherloc (09022015). Collection method: clinical testing. Allele origin: germline.
Comment: In summary, the available evidence is currently insufficient to determine the role of this variant in disease. Therefore, it has been classified as a Variant of Uncertain Significance. Algorithms developed to predict the effect of missense changes on protein structure and function are either unavailable or do not agree on the potential impact of this missense change (SIFT: "Deleterious"; PolyPhen-2: "Possibly Damaging"; Align-GVGD: "Class C0"). This variant has not been reported in the literature in individuals affected with POMT2-related conditions. This variant is not present in population databases (gnomAD no frequency). This sequence change replaces methionine, which is neutral and non-polar, with valine, which is neutral and non-polar, at codon 675 of the POMT2 protein (p.Met675Val).

NM_013382.7(POMT2):c.2023A>G (p.Met675Val)

Gene: POMT2 (protein O-mannosyltransferase 2; minus strand). Cytogenetic location: 14q24.3.
Variant type: single nucleotide variant.
Coding change: c.2023A>G on transcript NM_013382.7 (MANE Select); coding-DNA position 2023, A replaced by G.
Protein change: p.Met675Val; replaces methionine 675 with valine.
Molecular consequence: missense variant.
Genome position (GRCh38, 1-based): chr14:77,278,738, T>C on the plus strand (A>G on the coding strand, the complement: POMT2 is on the minus strand). VCF-style: chr14-77278738-T-C. GRCh37 (hg19) VCF-style: chr14-77745081-T-C.
Other names: c.2023A>G (NM_013382.5); short protein forms M675V.
Identifiers: ClinVar variation 1422947 (VCV001422947.9), dbSNP rs2140161882, ClinGen allele CA390513731.